The following is an entry in ClinVar:

NM_033026.6(PCLO):c.7997T>C (p.Val2666Ala)

Gene: PCLO (piccolo presynaptic cytomatrix protein; minus strand). Cytogenetic location: 7q21.11.
Variant type: single nucleotide variant.
Coding change: c.7997T>C on transcript NM_033026.6 (MANE Select); coding-DNA position 7997, T replaced by C.
Protein change: p.Val2666Ala; replaces valine 2666 with alanine.
Molecular consequence: missense variant.
Genome position (GRCh38, 1-based): chr7:82,952,956, A>G on the plus strand (T>C on the coding strand, the complement: PCLO is on the minus strand). VCF-style: chr7-82952956-A-G. GRCh37 (hg19) VCF-style: chr7-82582272-A-G.
Other names: c.7997T>C, p.Val2666Ala (NM_014510.3); c.7997T>C (NM_033026.5); short protein forms V2666A.
Identifiers: ClinVar variation 1375336 (VCV001375336.4), dbSNP rs200237868, ClinGen allele CA4320204.
Genomic context (GRCh38, chr7:82,952,956, plus strand): 5'-GCTGTACTTCTGGTTGCTGAAACCTCAGTCTTGGAAACTTCAGTAGTGAGAAACTGTGTA[A>G]CTGATGTGGGAGCTGCTTGAAATGAAGAGGGTGCTGTGACAGGGGTAGCAGAAAATGTCT-3'
Protein context (NP_149015.2, residues 2656-2676): PSSFQAAPTS[Val2666Ala]TQFLTTEVSK

ClinVar aggregate classification (germline): Uncertain significance. Review status: criteria provided, multiple submitters, no conflicts (2 of 4 stars). 2 submissions from 2 submitters: Uncertain significance (2). Last evaluated 2023-12-07.

Conditions:
Inborn genetic diseases. Identifiers: MedGen C0950123, MeSH D030342.

Allele frequency attached by ClinVar (database versions not stated): gnomAD exomes 0.00001 and 0.00007; ExAC 0.00002; TOPMed 0.00002; gnomAD 0.00003.
gnomAD v4.1: 108 of 1,613,796 alleles (0.0067%); highest among the groups gnomAD compares: Non-Finnish European, 0.0091%; no homozygotes.

Submissions (2):

Ambry Genetics
Classification: Uncertain significance for Inborn genetic diseases. Last evaluated: 2023-12-07. Review status: criteria provided, single submitter. Criteria: Ambry Variant Classification Scheme 2023. Collection method: clinical testing. Allele origin: germline.

Labcorp Genetics (formerly Invitae), Labcorp
Classification: Uncertain significance. Last evaluated: 2022-03-24. Review status: criteria provided, single submitter. Criteria: Invitae Variant Classification Sherloc (09022015). Collection method: clinical testing. Allele origin: germline.
Comment: This sequence change replaces valine, which is neutral and non-polar, with alanine, which is neutral and non-polar, at codon 2666 of the PCLO protein (p.Val2666Ala). This variant is present in population databases (rs200237868, gnomAD 0.005%). This variant has not been reported in the literature in individuals affected with PCLO-related conditions. Algorithms developed to predict the effect of missense changes on protein structure and function output the following: SIFT: "Tolerated"; PolyPhen-2: "Not Available"; Align-GVGD: "Class C0". The alanine amino acid residue is found in multiple mammalian species, which suggests that this missense change does not adversely affect protein function. In summary, the available evidence is currently insufficient to determine the role of this variant in disease. Therefore, it has been classified as a Variant of Uncertain Significance.